The following is an entry in ClinVar:

ClinVar aggregate classification (germline): Conflicting classifications of pathogenicity. Review status: criteria provided, conflicting classifications (1 of 4 stars). 5 submissions from 5 submitters: Uncertain significance (3); Likely benign (1). 1 of the submissions does not count toward it. Last evaluated 2026-01-12.

Conditions:
TRPM6-related disorder. Also called: TRPM6-related condition.
Intestinal hypomagnesemia 1. Also called: HYPOMAGNESEMIA, INTESTINAL, WITH SECONDARY HYPOCALCEMIA; HYPOMAGNESEMIC TETANY. Identifiers: Orphanet 30924, MedGen C1865974, MONDO:0011176, OMIM 602014.

Allele frequency attached by ClinVar (database versions not stated): 1000 Genomes Project 30x 0.00078; 1000 Genomes Project 0.00080; gnomAD 0.00080 and 0.00082; TOPMed 0.00086; gnomAD exomes 0.00098 and 0.00116; ExAC 0.00113; ESP Exome Variant Server 0.00131.
gnomAD v4.1: 1,807 of 1,613,884 alleles (0.11%); highest among the groups gnomAD compares: Middle Eastern, 0.35%; 6 homozygotes.

Submissions (5):

Labcorp Genetics (formerly Invitae), Labcorp
Classification: Likely benign. Last evaluated: 2026-01-12. Review status: criteria provided, single submitter. Criteria: Invitae Variant Classification Sherloc (09022015). Collection method: clinical testing. Allele origin: germline.

Blueprint Genetics
Classification: Uncertain significance. Last evaluated: 2024-11-14. Review status: criteria provided, single submitter. Criteria: ACMG Guidelines, 2015. Collection method: clinical testing. Allele origin: germline.

Baylor Genetics
Classification: Uncertain significance for Intestinal hypomagnesemia 1. Last evaluated: 2018-04-13. Review status: criteria provided, single submitter. Criteria: ACMG Guidelines, 2015. Collection method: clinical testing. Allele origin: maternal. Affected: yes.
Comment: This variant was determined to be of uncertain significance according to ACMG Guidelines, 2015 [PMID:25741868].

Illumina Laboratory Services, Illumina
Classification: Uncertain significance for Intestinal hypomagnesemia 1. Last evaluated: 2018-01-13. Review status: criteria provided, single submitter. Criteria: ICSL Variant Classification Criteria 13 December 2019. Collection method: clinical testing. Allele origin: germline.

PreventionGenetics, part of Exact Sciences
Classification: Likely benign for TRPM6-related condition. Last evaluated: 2022-12-01. Review status: no assertion criteria provided. Collection method: clinical testing. Allele origin: germline. Not counted in ClinVar's aggregate classification.
Comment: This variant is classified as likely benign based on ACMG/AMP sequence variant interpretation guidelines (Richards et al. 2015 PMID: 25741868, with internal and published modifications).

NM_017662.5(TRPM6):c.5171C>T (p.Thr1724Ile)

Gene: TRPM6 (transient receptor potential cation channel subfamily M member 6; minus strand). Cytogenetic location: 9q21.13.
Variant type: single nucleotide variant.
Coding change: c.5171C>T on transcript NM_017662.5 (MANE Select); coding-DNA position 5171, C replaced by T.
Protein change: p.Thr1724Ile; replaces threonine 1724 with isoleucine.
Molecular consequence: missense variant.
Genome position (GRCh38, 1-based): chr9:74,742,590, G>A on the plus strand (C>T on the coding strand, the complement: TRPM6 is on the minus strand). VCF-style: chr9-74742590-G-A. GRCh37 (hg19) VCF-style: chr9-77357506-G-A.
Other names: c.5156C>T, p.Thr1719Ile (NM_001177310.2, NM_001177311.2); short protein forms T1724I, T1719I.
Identifiers: ClinVar variation 367299 (VCV000367299.16), dbSNP rs56290308, ClinGen allele CA5083874.